The following is an entry in ClinVar:

ClinVar aggregate classification (germline): Uncertain significance (1 of 4 stars; one submission).

Conditions:
Inborn genetic diseases. Identifiers: MedGen C0950123, MeSH D030342.

Allele frequency attached by ClinVar (database versions not stated): gnomAD exomes below 0.00001.
gnomAD v4.1: 6 of 1,603,650 alleles (0.00037%); highest among the groups gnomAD compares: Non-Finnish European, 0.00043%; no homozygotes.

Submission:

Ambry Genetics
Classification: Uncertain significance for Inborn genetic diseases. Last evaluated: 2020-02-18. Review status: criteria provided, single submitter. Criteria: Ambry Variant Classification Scheme 2023. Collection method: clinical testing. Allele origin: germline.
Comment: The c.883-5G>A intronic variant results from a G to A substitution 5 nucleotides upstream from coding exon 7 in the OPTN gene. This nucleotide position is well conserved in available vertebrate species. Using the BDGP and ESEfinder splice site prediction tools, this alteration is not predicted to have any significant effect on this splice acceptor site; however, direct evidence is unavailable. Since supporting evidence is limited at this time, the clinical significance of this alteration remains unclear.

NM_001008212.2(OPTN):c.883-5G>A

Gene: OPTN (optineurin; plus strand). Cytogenetic location: 10p13.
Variant type: single nucleotide variant.
Coding change: c.883-5G>A on transcript NM_001008212.2 (MANE Select); 5 bases into the intron before coding-DNA position 883, G replaced by A.
Molecular consequence: intron variant.
Genome position (GRCh38, 1-based): chr10:13,123,990, G>A. VCF-style: chr10-13123990-G-A. GRCh37 (hg19) VCF-style: chr10-13165990-G-A.
Other names: c.883-5G>A (NM_001008211.1, NM_001008213.1, NM_021980.4).
Identifiers: ClinVar variation 1764827 (VCV001764827.2), dbSNP rs2539064992, ClinGen allele CA2574491263.
Genomic context (GRCh38, chr10:13,123,990, plus strand): 5'-TAAAGAGGTTTGTTTAATGTCAGATGATAATTGTACAGATATGTTTGGGATTTCCCGTAT[G>A]ATAGGTTGGAAGCGAAGTGGAAGCACTGAACCTCCAGGTGACATCTCTGTTTAAGGAGCT-3'